The following is an entry in ClinVar:

ClinVar aggregate classification (germline): Uncertain significance (1 of 4 stars; one submission).

Submission:

GeneDx
Classification: Uncertain significance. Last evaluated: 2019-04-12. Review status: criteria provided, single submitter. Criteria: GeneDx Variant Classification Process June 2021. Collection method: clinical testing. Allele origin: germline. Affected: yes.
Comment: Not observed in large population cohorts (Lek et al., 2016); In silico analysis, which includes protein predictors and evolutionary conservation, supports a deleterious effect; Has not been previously published as pathogenic or benign to our knowledge

NM_014740.4(EIF4A3):c.163G>A (p.Ala55Thr)

Gene: EIF4A3 (eukaryotic translation initiation factor 4A3; minus strand). Cytogenetic location: 17q25.3.
Variant type: single nucleotide variant.
Coding change: c.163G>A on transcript NM_014740.4 (MANE Select); coding-DNA position 163, G replaced by A.
Protein change: p.Ala55Thr; replaces alanine 55 with threonine.
Molecular consequence: missense variant.
Genome position (GRCh38, 1-based): chr17:80,146,799, C>T on the plus strand (G>A on the coding strand, the complement: EIF4A3 is on the minus strand). VCF-style: chr17-80146799-C-T. GRCh37 (hg19) VCF-style: chr17-78120598-C-T.
Other names: short protein forms A55T.
Identifiers: ClinVar variation 1302593 (VCV001302593.2), dbSNP rs2144008047, ClinGen allele CA401345222.
Genomic context (GRCh38, chr17:80,146,799, plus strand): 5'-CCGGCTCGCCCCCGACTCGCCCCCGGCTGGCCCCCGCGGCCCGCGCCCGCTCACCGTAAG[C>T]GTAGATGCCCCGCAGCAGGTCCTCCCGCAGGCCCATGGTGTCGAACGTGGGGGTCACATC-3'
Protein context (NP_055555.1, residues 45-65): LREDLLRGIY[Ala55Thr]YGFEKPSAIQ